The following is an entry in ClinVar:

NM_000142.5(FGFR3):c.985G>A (p.Val329Ile)

Gene: FGFR3 (fibroblast growth factor receptor 3; plus strand). Cytogenetic location: 4p16.3.
Variant type: single nucleotide variant.
Coding change: c.985G>A on transcript NM_000142.5 (MANE Select); coding-DNA position 985, G replaced by A.
Protein change: p.Val329Ile; replaces valine 329 with isoleucine.
Molecular consequence: missense variant. On other transcripts: non-coding transcript variant (1), intron variant (2).
Genome position (GRCh38, 1-based): chr4:1,803,746, G>A. VCF-style: chr4-1803746-G-A. GRCh37 (hg19) VCF-style: chr4-1805473-G-A.
Other names: c.985G>A, p.Val329Ile (NM_001354809.2, NM_001354810.2); c.1082-584G>A (NM_001163213.2); c.931-1078G>A (NM_022965.4); short protein forms V329I.
Identifiers: ClinVar variation 1215889 (VCV001215889.23), dbSNP rs188723332, ClinGen allele CA2810154.

ClinVar aggregate classification (germline): Conflicting classifications of pathogenicity. Review status: criteria provided, conflicting classifications (1 of 4 stars). 7 submissions from 7 submitters: Uncertain significance (2); Likely benign (3). 2 of the submissions do not count toward it. Last evaluated 2026-06-23.

Conditions:
FGFR3-related chondrodysplasia. Identifiers: Orphanet 93420, MedGen C5681604, MONDO:0019685.
FGFR3-related disorder. Also called: FGFR3-related disorders.

Allele frequency attached by ClinVar (database versions not stated): TOPMed 0.00003; gnomAD 0.00004 and 0.00005; ExAC 0.00011; gnomAD exomes 0.00011 and 0.00004; 1000 Genomes Project 0.00060; 1000 Genomes Project 30x 0.00062.
gnomAD v4.1: 94 of 1,614,070 alleles (0.0058%); highest among the groups gnomAD compares: East Asian, 0.049%; 1 homozygote.

Submissions (7):

Genomenon, Inc
Classification: Likely benign for FGFR3-related chondrodysplasia. Last evaluated: 2026-06-23. Review status: criteria provided, single submitter. Criteria: Genomenon Sequence Variant Interpretation Standards - Updated. Collection method: curation. Allele origin: germline. Affected: no.
Comment: FGFR3 p.Val329Ile (c.985G>A) is a missense variant that changes the amino acid at codon 329 from Valine to Isoleucine. This variant has been reported in the published literature (PMID:30430034;30417976;17360555;29150894;17981355;17963255). This variant’s allele frequency in gnomAD is greater than expected for this disorder. In conclusion, we classify FGFR3 p.Val329Ile (c.985G>A) as a likely benign variant.

Labcorp Genetics (formerly Invitae), Labcorp
Classification: Likely benign. Last evaluated: 2026-01-12. Review status: criteria provided, single submitter. Criteria: Invitae Variant Classification Sherloc (09022015). Collection method: clinical testing. Allele origin: germline.

PreventionGenetics, part of Exact Sciences
Classification: Uncertain significance for FGFR3-related condition. Last evaluated: 2023-02-09. Review status: criteria provided, single submitter. Criteria: ACMG Guidelines, 2015. Collection method: clinical testing. Allele origin: germline.
Comment: The FGFR3 c.985G>A variant is predicted to result in the amino acid substitution p.Val329Ile. This variant was reported in an individual with cleft lip/palate (Riley et al 2007. PubMed ID: 17360555). This variant is reported in 0.12% of alleles in individuals of East Asian descent in gnomAD. This variant is classified as likely benign/uncertain in ClinVar. This variant could be benign. At this time, the clinical significance of this variant is uncertain due to the absence of conclusive functional and genetic evidence.

ARUP Laboratories, Molecular Genetics and Genomics, ARUP Laboratories
Classification: Uncertain significance. Last evaluated: 2021-05-12. Review status: criteria provided, single submitter. Criteria: ARUP Molecular Germline Variant Investigation Process 2021. Collection method: clinical testing. Allele origin: germline.
Comment: The FGFR3 c.985G>A, p.Val329Ile variant (rs188723332) has been previously identified in a cohort of Filipino non syndromic cleft lip and palate patients (Riley 2007). While the frequency of this variant was enriched in the patient population, it was identified in several unaffected Filipino control individuals, including unaffected parents who transmitted the variant to affected probands. This variant is found in the general population with an overall allele frequency of 0.01% (31/282,186 alleles) in the Genome Aggregation Database. The valine at codon 329 is highly conserved, but computational analyses are uncertain whether this variant is neutral or deleterious (REVEL: 0.549). Based on the available information, the clinical significance of this variant is uncertain. References: Riley et al., Impaired FGF signaling contributes to cleft lip and palate. Proc Natl Acad Sci U S A. 2007 Mar 13;104(11):4512-7. PMID 17360555

GeneDx
Classification: Likely benign. Last evaluated: 2020-10-01. Review status: criteria provided, single submitter. Criteria: GeneDx Variant Classification Process June 2021. Collection method: clinical testing. Allele origin: germline. Affected: yes.
Comment: In silico analysis supports that this missense variant does not alter protein structure/function; This variant is associated with the following publications: (PMID: 27884173, 17360555)

Clinical Genetics DNA and cytogenetics Diagnostics Lab, Erasmus MC, Erasmus Medical Center
Classification: Uncertain significance. Review status: no assertion criteria provided. Collection method: clinical testing. Allele origin: germline. Affected: yes. Study: VKGL Data-share Consensus. Not counted in ClinVar's aggregate classification.

Laboratory of Diagnostic Genome Analysis, Leiden University Medical Center (LUMC)
Classification: Uncertain significance. Review status: no assertion criteria provided. Collection method: clinical testing. Allele origin: germline. Affected: yes. Study: VKGL Data-share Consensus. Not counted in ClinVar's aggregate classification.

Literature cited by the submitters: PubMed 30430034 (cited by Genomenon, Inc); PubMed 30417976 (cited by Genomenon, Inc); PubMed 17360555 (cited by Genomenon, Inc); PubMed 29150894 (cited by Genomenon, Inc); PubMed 17981355 (cited by Genomenon, Inc); PubMed 17963255 (cited by Genomenon, Inc).